The following is an entry in ClinVar:

NM_001830.4(CLCN4):c.2084G>A (p.Arg695His)

Gene: CLCN4 (chloride voltage-gated channel 4; plus strand). Cytogenetic location: Xp22.2.
Variant type: single nucleotide variant.
Coding change: c.2084G>A on transcript NM_001830.4 (MANE Select); coding-DNA position 2084, G replaced by A.
Protein change: p.Arg695His; replaces arginine 695 with histidine.
Molecular consequence: missense variant.
Genome position (GRCh38, 1-based): chrX:10,220,769, G>A. VCF-style: chrX-10220769-G-A. GRCh37 (hg19) VCF-style: chrX-10188809-G-A.
Other names: c.1802G>A, p.Arg601His (NM_001256944.2); short protein forms R695H, R601H.
Identifiers: ClinVar variation 918088 (VCV000918088.9), dbSNP rs760081067, ClinGen allele CA10347341.
Genomic context (GRCh38, chrX:10,220,769, plus strand): 5'-ACTTCACGGAGGAACCCCCCGAGCTGCCGGCCAACAGCCCACATCCCCTGAAGCTGCGGC[G>A]CATCCTGAACCTCAGCCCGTTTACAGTGACAGACCACACTCCGATGGAAACGGTGGTGGA-3'
Protein context (NP_001821.2, residues 685-705): ANSPHPLKLR[Arg695His]ILNLSPFTVT

ClinVar aggregate classification (germline): Uncertain significance. Review status: criteria provided, multiple submitters, no conflicts (2 of 4 stars). 2 submissions from 2 submitters: Uncertain significance (2). Last evaluated 2022-03-19.

Allele frequency attached by ClinVar (database versions not stated): ExAC 0.00001; gnomAD exomes 0.00001; TOPMed 0.00001.
gnomAD v4.1: 2 of 1,211,058 alleles (0.00017%); highest among the groups gnomAD compares: East Asian, 0.003%; no homozygotes.

Submissions (2):

Labcorp Genetics (formerly Invitae), Labcorp
Classification: Uncertain significance. Last evaluated: 2022-03-19. Review status: criteria provided, single submitter. Criteria: Invitae Variant Classification Sherloc (09022015). Collection method: clinical testing. Allele origin: germline.
Comment: This variant has not been reported in the literature in individuals affected with CLCN4-related conditions. ClinVar contains an entry for this variant (Variation ID: 918088). Algorithms developed to predict the effect of missense changes on protein structure and function (SIFT, PolyPhen-2, Align-GVGD) all suggest that this variant is likely to be tolerated. In summary, the available evidence is currently insufficient to determine the role of this variant in disease. Therefore, it has been classified as a Variant of Uncertain Significance. This variant is present in population databases (rs760081067, gnomAD no frequency). This sequence change replaces arginine, which is basic and polar, with histidine, which is basic and polar, at codon 695 of the CLCN4 protein (p.Arg695His).

Women's Health and Genetics/Laboratory Corporation of America, LabCorp
Classification: Uncertain significance. Last evaluated: 2020-03-05. Review status: criteria provided, single submitter. Criteria: LabCorp Variant Classification Summary - May 2015. Collection method: clinical testing. Allele origin: germline.
Comment: Variant summary: CLCN4 c.2084G>A (p.Arg695His) results in a non-conservative amino acid change in the encoded protein sequence. Three of five in-silico tools predict a damaging effect of the variant on protein function. The variant allele was found at a frequency of 5.4e-06 in 183489 control chromosomes (gnomAD). The available data on variant occurrences in the general population are insufficient to allow any conclusion about variant significance. To our knowledge, no occurrence of c.2084G>A in individuals affected with Raynaud-Claes syndrome and no experimental evidence demonstrating its impact on protein function have been reported. No clinical diagnostic laboratories have submitted clinical-significance assessments for this variant to ClinVar after 2014. Based on the evidence outlined above, the variant was classified as uncertain significance.